The following is an entry in ClinVar:

NM_000158.4(GBE1):c.1236+1G>T

Gene: GBE1 (1,4-alpha-glucan branching enzyme 1; minus strand). Cytogenetic location: 3p12.2.
Variant type: single nucleotide variant.
Coding change: c.1236+1G>T on transcript NM_000158.4 (MANE Select); the canonical splice donor site of the intron after coding-DNA position 1236, G replaced by T.
Molecular consequence: splice donor variant.
Genome position (GRCh38, 1-based): chr3:81,591,036, C>A on the plus strand (G>T on the coding strand, the complement: GBE1 is on the minus strand). VCF-style: chr3-81591036-C-A. GRCh37 (hg19) VCF-style: chr3-81640187-C-A.
Other names: NC_000003.11:g.81640187C>A; c.1236+1G>T (NM_000158.3).
Identifiers: ClinVar variation 4300207 (VCV004300207.2).

ClinVar aggregate classification (germline): Likely pathogenic (1 of 4 stars; one submission).

Conditions:
Glycogen storage disease, type IV (GSD4). Also called: Glycogen storage disease due to glycogen branching enzyme deficiency; AMYLOPECTINOSIS; ANDERSEN DISEASE; CIRRHOSIS, FAMILIAL, WITH DEPOSITION OF ABNORMAL GLYCOGEN; GBE1 DEFICIENCY; GLYCOGEN BRANCHING ENZYME DEFICIENCY. Identifiers: Orphanet 367, MedGen C0017923, MONDO:0009292, OMIM 232500.

gnomAD v4.1: 2 of 1,606,786 alleles (0.00012%); highest among the groups gnomAD compares: East Asian, 0.0022%; no homozygotes.

Submissions (2):

Natera, Inc.
Classification: Likely pathogenic for Glycogen storage disease type IV. Last evaluated: 2025-05-22. Review status: criteria provided, single submitter. Criteria: Natera Variant Classification Schema (03/2026). Collection method: clinical testing. Allele origin: germline.
Comment: The c.1236+1G>T variant in GBE1 is a canonical splice donor site variant predicted to affect pre-mRNA splicing, which may result in an abnormal transcript and altered protein product. This variant is expected to result in nonsense mediated decay, truncation, or a dysfunctional protein product. This variant is rare in the general population with a frequency below the threshold expected for the associated phenotype(s). Given the available evidence, this variant is classified as Likely Pathogenic.

Dr. Peter K. Rogan Lab, Western University
No classification provided (evidence only). Condition: Lung cancer. Review status: no classification provided. Collection method: in vitro. Allele origin: not applicable. Functional consequence: skipped exon. Not counted in ClinVar's aggregate classification.